The following is an entry in ClinVar:

ClinVar aggregate classification (germline): Benign (1 of 4 stars; one submission).

Allele frequency attached by ClinVar (database versions not stated): ExAC 0.00001; gnomAD exomes 0.00002 and 0.00003; TOPMed 0.00005; ESP Exome Variant Server 0.00008.
gnomAD v4.1: 27 of 1,192,700 alleles (0.0023%); highest among the groups gnomAD compares: African/African-American, 0.012%; no homozygotes.

Submission:

GeneDx
Classification: Benign. Last evaluated: 2015-04-28. Review status: criteria provided, single submitter. Criteria: GeneDx Variant Classification (06012015). Collection method: clinical testing. Allele origin: germline. Affected: yes.
Comment: This variant is considered likely benign or benign based on one or more of the following criteria: it is a conservative change, it occurs at a poorly conserved position in the protein, it is predicted to be benign by multiple in silico algorithms, and/or has population frequency not consistent with disease.

NM_033337.3(CAV3):c.-47C>T

Gene: CAV3 (caveolin 3; plus strand). Cytogenetic location: 3p25.3.
Variant type: single nucleotide variant.
Coding change: c.-47C>T on transcript NM_033337.3 (MANE Select); 47 bases upstream of the start codon, C replaced by T.
Molecular consequence: 5 prime UTR variant.
Genome position (GRCh38, 1-based): chr3:8,733,830, C>T. VCF-style: chr3-8733830-C-T. GRCh37 (hg19) VCF-style: chr3-8775516-C-T.
Other names: c.-47C>T (NM_001234.5).
Identifiers: ClinVar variation 377626 (VCV000377626.1), dbSNP rs374841789, ClinGen allele CA2236267.